The following is an entry in ClinVar:

ClinVar aggregate classification (germline): Likely benign (1 of 4 stars; one submission).

Conditions:
Multiple endocrine neoplasia, type 1 (MEN1). Also called: MEN I; WERMER SYNDROME; Endocrine adenomatosis multiple; MEN 1; MEA I. Identifiers: Orphanet 652, MedGen C0025267, MeSH D018761, MONDO:0007540, OMIM 131100.

Submission:

Myriad Genetics, Inc.
Classification: Likely benign for Multiple endocrine neoplasia, type 1. Last evaluated: 2024-11-01. Review status: criteria provided, single submitter. Criteria: Myriad Autosomal Dominant, Autosomal Recessive and X-Linked Classification Criteria (2023). Collection method: clinical testing. Allele origin: unknown.
Comment: This variant is considered likely benign. This variant is intronic and is not expected to impact mRNA splicing.

NM_001370259.2(MEN1):c.655-18A>T

Gene: MEN1 (menin 1; minus strand). Cytogenetic location: 11q13.1.
Variant type: single nucleotide variant.
Coding change: c.655-18A>T on transcript NM_001370259.2 (MANE Select); 18 bases into the intron before coding-DNA position 655, A replaced by T.
Molecular consequence: intron variant.
Genome position (GRCh38, 1-based): chr11:64,807,698, T>A on the plus strand (A>T on the coding strand, the complement: MEN1 is on the minus strand). VCF-style: chr11-64807698-T-A. GRCh37 (hg19) VCF-style: chr11-64575170-T-A.
Other names: c.670-18A>T (NM_130804.3, NM_130803.3, NM_000244.4 and 5 more transcripts); c.550-18A>T (NM_001407148.1, NM_001407149.1, NM_001407151.1 and 2 more transcripts); c.655-18A>T (NM_130799.3, NM_001407144.1, NM_001370260.2 and 7 more transcripts).
Identifiers: ClinVar variation 3773185 (VCV003773185.1).
Genomic context (GRCh38, chr11:64,807,698, plus strand): 5'-TGCGGTCACAGCGCATGTATGATCCTTTCAGGTACAGCCAGCTCTTAGGGGGGGATGAGA[T>A]CATTATGTCTCATGATGGCCCACCCTGTGCCTGCTTCAGGGAATGACAGCCAGGAAAAGG-3'